The following is an entry in ClinVar:

ClinVar aggregate classification (germline): Uncertain significance (1 of 4 stars; one submission).

Allele frequency attached by ClinVar (database versions not stated): gnomAD exomes below 0.00001.
gnomAD v4.1: 6 of 1,614,194 alleles (0.00037%); highest among the groups gnomAD compares: Non-Finnish European, 0.00051%; no homozygotes.

Submission:

Labcorp Genetics (formerly Invitae), Labcorp
Classification: Uncertain significance. Last evaluated: 2022-07-13. Review status: criteria provided, single submitter. Criteria: Invitae Variant Classification Sherloc (09022015). Collection method: clinical testing. Allele origin: germline.
Comment: This sequence change replaces serine, which is neutral and polar, with arginine, which is basic and polar, at codon 759 of the CNGB3 protein (p.Ser759Arg). This variant is not present in population databases (gnomAD no frequency). This variant has not been reported in the literature in individuals affected with CNGB3-related conditions. Advanced modeling of protein sequence and biophysical properties (such as structural, functional, and spatial information, amino acid conservation, physicochemical variation, residue mobility, and thermodynamic stability) performed at Invitae indicates that this missense variant is not expected to disrupt CNGB3 protein function. In summary, the available evidence is currently insufficient to determine the role of this variant in disease. Therefore, it has been classified as a Variant of Uncertain Significance.

NM_019098.5(CNGB3):c.2275A>C (p.Ser759Arg)

Gene: CNGB3 (cyclic nucleotide gated channel subunit beta 3; minus strand). Cytogenetic location: 8q21.3.
Variant type: single nucleotide variant.
Coding change: c.2275A>C on transcript NM_019098.5 (MANE Select); coding-DNA position 2275, A replaced by C.
Protein change: p.Ser759Arg; replaces serine 759 with arginine.
Molecular consequence: missense variant.
Genome position (GRCh38, 1-based): chr8:86,575,959, T>G on the plus strand (A>C on the coding strand, the complement: CNGB3 is on the minus strand). VCF-style: chr8-86575959-T-G. GRCh37 (hg19) VCF-style: chr8-87588187-T-G.
Other names: short protein forms S759R.
Identifiers: ClinVar variation 1910485 (VCV001910485.2), dbSNP rs2131529349, ClinGen allele CA371446276.